The following is an entry in ClinVar:

NM_001189.4(NKX3-2):c.59del (p.Lys20fs)

Gene: NKX3-2 (NK3 homeobox 2; minus strand). Cytogenetic location: 4p15.33.
Variant type: Deletion.
Coding change: c.59del on transcript NM_001189.4 (MANE Select); coding-DNA position 59, one base deleted (A; older notation c.59delA).
Protein change: p.Lys20fs; shifts the reading frame from lysine 20.
Molecular consequence: frameshift variant.
Genome position (GRCh38, 1-based): chr4:13,544,356, T deleted on the plus strand (A on the coding strand, the reverse complement: NKX3-2 is on the minus strand); the first of 2 consecutive T bases (chr4:13,544,356-13,544,357); deleting either gives the same sequence. VCF-style (leftmost placement, unchanged base first): chr4-13544355-CT-C. GRCh37 (hg19) VCF-style: chr4-13545979-CT-C.
Other names: short protein forms K20fs.
Identifiers: ClinVar variation 2854529 (VCV002854529.3), dbSNP rs2474462219, ClinGen allele CA2739270021.

ClinVar aggregate classification (germline): Pathogenic (1 of 4 stars; one submission).

Submission:

Labcorp Genetics (formerly Invitae), Labcorp
Classification: Pathogenic. Last evaluated: 2023-04-09. Review status: criteria provided, single submitter. Criteria: Invitae Variant Classification Sherloc (09022015). Collection method: clinical testing. Allele origin: germline.
Comment: For these reasons, this variant has been classified as Pathogenic. This variant has not been reported in the literature in individuals affected with NKX3-2-related conditions. This variant is not present in population databases (gnomAD no frequency). This sequence change creates a premature translational stop signal (p.Lys20Argfs*104) in the NKX3-2 gene. It is expected to result in an absent or disrupted protein product. Loss-of-function variants in NKX3-2 are known to be pathogenic (PMID: 20004766).

Literature cited by the submitters: PubMed 20004766.